The following is an entry in ClinVar:

ClinVar aggregate classification (germline): Pathogenic/Likely pathogenic. Review status: criteria provided, multiple submitters, no conflicts (2 of 4 stars). 3 submissions from 3 submitters: Pathogenic (2); Likely pathogenic (1). Last evaluated 2023-11-24.

Conditions:
KIAA0586-related disorder. Also called: KIAA0586- Related disorders; KIAA0586-related condition.
Short-rib thoracic dysplasia 14 with polydactyly (SRTD14). Identifiers: Orphanet 397715, MedGen C4225286, MONDO:0014688, OMIM 616546.
Joubert syndrome 23 (JBTS23). Identifiers: Orphanet 475, MedGen C4084822, MONDO:0014664, OMIM 616490.

Allele frequency attached by ClinVar (database versions not stated): gnomAD 0.00001; gnomAD exomes 0.00001; TOPMed 0.00002.

Submissions (3):

Labcorp Genetics (formerly Invitae), Labcorp
Classification: Pathogenic for Joubert syndrome 23; Short-rib thoracic dysplasia 14 with polydactyly. Last evaluated: 2023-11-24. Review status: criteria provided, single submitter. Criteria: Invitae Variant Classification Sherloc (09022015). Collection method: clinical testing. Allele origin: germline.
Comment: This sequence change creates a premature translational stop signal (p.Ala1086Glyfs*12) in the KIAA0586 gene. It is expected to result in an absent or disrupted protein product. Loss-of-function variants in KIAA0586 are known to be pathogenic (PMID: 26096313, 26166481, 26386044). This variant is not present in population databases (gnomAD no frequency). This variant has not been reported in the literature in individuals affected with KIAA0586-related conditions. ClinVar contains an entry for this variant (Variation ID: 1683813). For these reasons, this variant has been classified as Pathogenic.

GeneDx
Classification: Pathogenic. Last evaluated: 2022-04-25. Review status: criteria provided, single submitter. Criteria: GeneDx Variant Classification Process June 2021. Collection method: clinical testing. Allele origin: germline. Affected: yes.
Comment: Frameshift variant predicted to result in protein truncation or nonsense mediated decay in a gene for which loss-of-function is a known mechanism of disease; Not observed at significant frequency in large population cohorts (gnomAD); Has not been previously published as pathogenic or benign to our knowledge

Blueprint Genetics
Classification: Likely pathogenic for KIAA0586-related disorders. Last evaluated: 2017-06-18. Review status: criteria provided, single submitter. Criteria: ACMG Guidelines, 2015. Collection method: clinical testing. Allele origin: germline. Affected: yes. Observed: 1 variant allele.

Literature cited by the submitters: PubMed 26096313 (cited by Labcorp Genetics (formerly Invitae), Labcorp); PubMed 26166481 (cited by Labcorp Genetics (formerly Invitae), Labcorp); PubMed 26386044 (cited by Labcorp Genetics (formerly Invitae), Labcorp).

NM_001329943.3(KIAA0586):c.3097dup (p.Ala1033fs)

Gene: KIAA0586 (KIAA0586; plus strand). Cytogenetic location: 14q23.1.
Variant type: Duplication.
Coding change: c.3097dup on transcript NM_001329943.3 (MANE Select); coding-DNA position 3097, one base duplicated (G; older notation c.3097dupG).
Protein change: p.Ala1033fs; shifts the reading frame from alanine 1033.
Molecular consequence: frameshift variant.
Genome position (GRCh38, 1-based): chr14:58,482,665, G duplicated. VCF-style (leftmost placement, unchanged base first): chr14-58482664-T-TG. GRCh37 (hg19) VCF-style: chr14-58949382-T-TG.
Other names: c.3256dup, p.Ala1086fs (NM_001244189.2); c.3052dup, p.Ala1018fs (NM_001244190.2); c.2842dup, p.Ala948fs (NM_001244191.2, NM_001329945.2, NM_001364700.1 and 1 more transcripts); c.2965dup, p.Ala989fs (NM_001244192.2); c.2677dup, p.Ala893fs (NM_001244193.2); c.3097dup, p.Ala1033fs (NM_001329944.2, NM_001329946.2, NM_001329947.2); c.2869dup, p.Ala957fs (NM_014749.5); short protein forms A1018fs, A1033fs, A1086fs, A893fs, A948fs, A957fs, A989fs.
Identifiers: ClinVar variation 1683813 (VCV001683813.8), dbSNP rs1364954371, ClinGen allele CA707237961.